The following is an entry in ClinVar:

ClinVar aggregate classification (germline): Likely benign. Review status: criteria provided, single submitter (1 of 4 stars). 2 submissions from 2 submitters: Likely benign (1). 1 of the submissions does not count toward it. Last evaluated 2025-12-30.

Conditions:
SNAP29-related disorder. Also called: SNAP29-related condition.

Allele frequency attached by ClinVar (database versions not stated): ExAC 0.00002; TOPMed 0.00009.
gnomAD v4.1: 23 of 1,592,456 alleles (0.0014%); highest among the groups gnomAD compares: African/African-American, 0.028%; no homozygotes.

Submissions (2):

Labcorp Genetics (formerly Invitae), Labcorp
Classification: Likely benign. Last evaluated: 2025-12-30. Review status: criteria provided, single submitter. Criteria: Invitae Variant Classification Sherloc (09022015). Collection method: clinical testing. Allele origin: germline.

PreventionGenetics, part of Exact Sciences
Classification: Likely benign for SNAP29-related condition. Last evaluated: 2021-06-08. Review status: no assertion criteria provided. Collection method: clinical testing. Allele origin: germline. Not counted in ClinVar's aggregate classification.
Comment: This variant is classified as likely benign based on ACMG/AMP sequence variant interpretation guidelines (Richards et al. 2015 PMID: 25741868, with internal and published modifications).

NM_004782.4(SNAP29):c.435-7T>C

Gene: SNAP29 (synaptosome associated protein 29; plus strand). Cytogenetic location: 22q11.21.
Variant type: single nucleotide variant.
Coding change: c.435-7T>C on transcript NM_004782.4 (MANE Select); 7 bases into the intron before coding-DNA position 435, T replaced by C.
Molecular consequence: intron variant.
Genome position (GRCh38, 1-based): chr22:20,881,042, T>C. VCF-style: chr22-20881042-T-C. GRCh37 (hg19) VCF-style: chr22-21235330-T-C.
Other names: c.435-7T>C (NM_004782.3).
Identifiers: ClinVar variation 2044109 (VCV002044109.6), dbSNP rs752875049, ClinGen allele CA10117145.